The following is an entry in ClinVar:

ClinVar aggregate classification (germline): Uncertain significance (1 of 4 stars; one submission).

Conditions:
Spastic paraplegia. Identifiers: MedGen C0037772, HP:0001258.

Allele frequency attached by ClinVar (database versions not stated): gnomAD exomes below 0.00001.
gnomAD v4.1: 1 of 1,609,084 alleles (0.000062%); highest among the groups gnomAD compares: Non-Finnish European, 0.000085%; no homozygotes.

Submission:

Labcorp Genetics (formerly Invitae), Labcorp
Classification: Uncertain significance for Spastic paraplegia. Last evaluated: 2021-05-18. Review status: criteria provided, single submitter. Criteria: Invitae Variant Classification Sherloc (09022015). Collection method: clinical testing. Allele origin: germline.
Comment: This variant has not been reported in the literature in individuals with AP4E1-related conditions. In summary, the available evidence is currently insufficient to determine the role of this variant in disease. Therefore, it has been classified as a Variant of Uncertain Significance. Algorithms developed to predict the effect of missense changes on protein structure and function are either unavailable or do not agree on the potential impact of this missense change (SIFT: "Deleterious"; PolyPhen-2: "Benign"; Align-GVGD: "Class C0"). This variant is not present in population databases (ExAC no frequency). This sequence change replaces isoleucine with valine at codon 1031 of the AP4E1 protein (p.Ile1031Val). The isoleucine residue is moderately conserved and there is a small physicochemical difference between isoleucine and valine.

NM_007347.5(AP4E1):c.3091A>G (p.Ile1031Val)

Gene: AP4E1 (adaptor related protein complex 4 subunit epsilon 1; plus strand). Cytogenetic location: 15q21.2.
Variant type: single nucleotide variant.
Coding change: c.3091A>G on transcript NM_007347.5 (MANE Select); coding-DNA position 3091, A replaced by G.
Protein change: p.Ile1031Val; replaces isoleucine 1031 with valine.
Molecular consequence: missense variant.
Genome position (GRCh38, 1-based): chr15:50,999,258, A>G. VCF-style: chr15-50999258-A-G. GRCh37 (hg19) VCF-style: chr15-51291455-A-G.
Other names: c.2866A>G, p.Ile956Val (NM_001252127.2); short protein forms I1031V, I956V.
Identifiers: ClinVar variation 1396019 (VCV001396019.8), dbSNP rs2140936968, ClinGen allele CA392421813.